The following is an entry in ClinVar:

NM_000091.5(COL4A3):c.1528A>G (p.Lys510Glu)

Genes: COL4A3 (collagen type IV alpha 3 chain; plus strand), MFF-DT (MFF divergent transcript; minus strand). Cytogenetic location: 2q36.3.
Variant type: single nucleotide variant.
Coding change: c.1528A>G on transcript NM_000091.5 (MANE Select); coding-DNA position 1528, A replaced by G.
Protein change: p.Lys510Glu; replaces lysine 510 with glutamic acid.
Molecular consequence: missense variant.
Genome position (GRCh38, 1-based): chr2:227,269,933, A>G. VCF-style: chr2-227269933-A-G. GRCh37 (hg19) VCF-style: chr2-228134649-A-G.
Other names: short protein forms K510E.
Identifiers: ClinVar variation 4800366 (VCV004800366.1).

ClinVar aggregate classification (germline): Uncertain significance (1 of 4 stars; one submission).

Submission:

Labcorp Genetics (formerly Invitae), Labcorp
Classification: Uncertain significance. Last evaluated: 2025-09-06. Review status: criteria provided, single submitter. Criteria: Invitae Variant Classification Sherloc (09022015). Collection method: clinical testing. Allele origin: germline.
Comment: This sequence change replaces lysine, which is basic and polar, with glutamic acid, which is acidic and polar, at codon 510 of the COL4A3 protein (p.Lys510Glu). This variant is not present in population databases (gnomAD no frequency). This variant has not been reported in the literature in individuals affected with COL4A3-related conditions. Invitae Evidence Modeling of protein sequence and biophysical properties (such as structural, functional, and spatial information, amino acid conservation, physicochemical variation, residue mobility, and thermodynamic stability) indicates that this missense variant is not expected to disrupt COL4A3 protein function with a negative predictive value of 95%. In summary, the available evidence is currently insufficient to determine the role of this variant in disease. Therefore, it has been classified as a Variant of Uncertain Significance.